The following is an entry in ClinVar:

NM_004364.5(CEBPA):c.922G>A (p.Val308Met)

Gene: CEBPA (CCAAT enhancer binding protein alpha; minus strand). Cytogenetic location: 19q13.11.
Variant type: single nucleotide variant.
Coding change: c.922G>A on transcript NM_004364.5 (MANE Select); coding-DNA position 922, G replaced by A.
Protein change: p.Val308Met; replaces valine 308 with methionine.
Molecular consequence: missense variant.
Genome position (GRCh38, 1-based): chr19:33,301,493, C>T on the plus strand (G>A on the coding strand, the complement: CEBPA is on the minus strand). VCF-style: chr19-33301493-C-T. GRCh37 (hg19) VCF-style: chr19-33792399-C-T.
Other names: c.565G>A, p.Val189Met (NM_001285829.2); c.1027G>A, p.Val343Met (NM_001287424.2); c.880G>A, p.Val294Met (NM_001287435.2); c.922G>A (NM_004364.3); short protein forms V189M, V294M, V308M, V343M.
Identifiers: ClinVar variation 1053602 (VCV001053602.10), dbSNP rs1182945213, ClinGen allele CA405273918.
Genomic context (GRCh38, chr19:33,301,493, plus strand): 5'-CCCGCTTGCGCAGGCGGTCATTGTCACTGGTCAGCTCCAGCACCTTCTGCTGCGTCTCCA[C>T]GTTGCGCTGCTTGGCCTTGTCGCGGCTCTTGCGCACCGCGATGTTGTTGCGCTCGCGCCG-3'
Protein context (NP_004355.2, residues 298-318): KSRDKAKQRN[Val308Met]ETQQKVLELT

ClinVar aggregate classification (germline): Uncertain significance. Review status: criteria provided, multiple submitters, no conflicts (2 of 4 stars). 2 submissions from 2 submitters: Uncertain significance (2). Last evaluated 2025-03-02.

Conditions:
Acute myeloid leukemia (AML). Also called: Leukemia, acute myeloid, somatic; Leukemia, acute myelogenous, somatic; Acute myeloid leukemia, adult; AML adult; Acute non-lymphocytic leukemia; Acute granulocytic leukemia. Identifiers: Orphanet 519, MedGen C0023467, MeSH D015470, MONDO:0018874, OMIM 601626, HP:0004808. Disease mechanism: Constitutively activated FLT3.
Inborn genetic diseases. Identifiers: MedGen C0950123, MeSH D030342.

gnomAD v4.1: 2 of 1,613,616 alleles (0.00012%); highest among the groups gnomAD compares: South Asian, 0.0022%; no homozygotes.

Submissions (2):

Ambry Genetics
Classification: Uncertain significance for Inborn genetic diseases. Last evaluated: 2025-03-02. Review status: criteria provided, single submitter. Criteria: Ambry Variant Classification Scheme 2023. Collection method: clinical testing. Allele origin: germline.
Comment: The p.V308M variant (also known as c.922G>A), located in coding exon 1 of the CEBPA gene, results from a G to A substitution at nucleotide position 922. The valine at codon 308 is replaced by methionine, an amino acid with highly similar properties. This amino acid position is conserved. In addition, this alteration is predicted to be tolerated by in silico analysis. Based on the available evidence, the clinical significance of this variant remains unclear.

Labcorp Genetics (formerly Invitae), Labcorp
Classification: Uncertain significance for Acute myeloid leukemia. Last evaluated: 2023-11-10. Review status: criteria provided, single submitter. Criteria: Invitae Variant Classification Sherloc (09022015). Collection method: clinical testing. Allele origin: germline.
Comment: This sequence change replaces valine, which is neutral and non-polar, with methionine, which is neutral and non-polar, at codon 308 of the CEBPA protein (p.Val308Met). This variant is present in population databases (no rsID available, gnomAD 0.003%). This variant has not been reported in the literature in individuals affected with CEBPA-related conditions. ClinVar contains an entry for this variant (Variation ID: 1053602). Advanced modeling of protein sequence and biophysical properties (such as structural, functional, and spatial information, amino acid conservation, physicochemical variation, residue mobility, and thermodynamic stability) performed at Invitae indicates that this missense variant is not expected to disrupt CEBPA protein function with a negative predictive value of 80%. In summary, the available evidence is currently insufficient to determine the role of this variant in disease. Therefore, it has been classified as a Variant of Uncertain Significance.